The following is an entry in ClinVar:

ClinVar aggregate classification (germline): Uncertain significance (1 of 4 stars; one submission).

Conditions:
Cardiovascular phenotype. Identifiers: MedGen CN230736.

Submission:

Ambry Genetics
Classification: Uncertain significance for Cardiovascular phenotype. Last evaluated: 2023-06-21. Review status: criteria provided, single submitter. Criteria: Ambry Variant Classification Scheme 2023. Collection method: clinical testing. Allele origin: germline.
Comment: The p.K1831N variant (also known as c.5493G>T), located in coding exon 35 of the MYH7 gene, results from a G to T substitution at nucleotide position 5493. The lysine at codon 1831 is replaced by asparagine, an amino acid with similar properties. This amino acid position is well conserved in available vertebrate species. In addition, this alteration is predicted to be tolerated by in silico analysis. Since supporting evidence is limited at this time, the clinical significance of this alteration remains unclear.

NM_000257.4(MYH7):c.5493G>T (p.Lys1831Asn)

Gene: MYH7 (myosin heavy chain 7; minus strand). Cytogenetic location: 14q11.2.
Variant type: single nucleotide variant.
Coding change: c.5493G>T on transcript NM_000257.4 (MANE Select); coding-DNA position 5493, G replaced by T.
Protein change: p.Lys1831Asn; replaces lysine 1831 with asparagine.
Molecular consequence: missense variant.
Genome position (GRCh38, 1-based): chr14:23,415,061, C>A on the plus strand (G>T on the coding strand, the complement: MYH7 is on the minus strand). VCF-style: chr14-23415061-C-A. GRCh37 (hg19) VCF-style: chr14-23884270-C-A.
Other names: c.5493G>T, p.Lys1831Asn (NM_001407004.1); short protein forms K1831N.
Identifiers: ClinVar variation 2625306 (VCV002625306.2), dbSNP rs2502238802, ClinGen allele CA389035130.